The following is an entry in ClinVar:

NM_004656.4(BAP1):c.77G>C (p.Gly26Ala)

Gene: BAP1 (BRCA1 associated deubiquitinase 1; minus strand). Cytogenetic location: 3p21.1.
Variant type: single nucleotide variant.
Coding change: c.77G>C on transcript NM_004656.4 (MANE Select); coding-DNA position 77, G replaced by C.
Protein change: p.Gly26Ala; replaces glycine 26 with alanine.
Molecular consequence: missense variant.
Genome position (GRCh38, 1-based): chr3:52,409,599, C>G on the plus strand (G>C on the coding strand, the complement: BAP1 is on the minus strand). VCF-style: chr3-52409599-C-G. GRCh37 (hg19) VCF-style: chr3-52443615-C-G.
Other names: c.77G>C, p.Gly26Ala (NM_001410772.1); short protein forms G26A.
Identifiers: ClinVar variation 1760690 (VCV001760690.2), dbSNP rs2153228549, ClinGen allele CA353114725.
Genomic context (GRCh38, chr3:52,409,599, plus strand): 5'-TGTACAGCCACTCACCCCTGACATTTGCTCTGAAGGTCGTAGATCTCCTCCACTTGCACC[C>G]CCTTGACACCTGCGATGAGGAAAGGAAAGCAGTAGGGAAGGACAGCCCCTGATGAGTGAG-3'
Protein context (NP_004647.1, residues 16-36): TLLVEDFGVK[Gly26Ala]VQVEEIYDLQ

ClinVar aggregate classification (germline): Uncertain significance (1 of 4 stars; one submission).

Conditions:
Hereditary cancer-predisposing syndrome. Also called: Neoplastic Syndromes, Hereditary; Tumor predisposition; Hereditary Cancer Syndrome; Hereditary neoplastic syndrome. Identifiers: Orphanet 140162, MedGen C0027672, MeSH D009386, MONDO:0015356.

gnomAD v4.1: 1 of 1,614,222 alleles (0.000062%); highest among the groups gnomAD compares: South Asian, 0.0011%; no homozygotes.

Submission:

Ambry Genetics
Classification: Uncertain significance for Hereditary cancer-predisposing syndrome. Last evaluated: 2022-09-13. Review status: criteria provided, single submitter. Criteria: Ambry Variant Classification Scheme 2023. Collection method: clinical testing. Allele origin: germline.
Comment: The p.G26A variant (also known as c.77G>C), located in coding exon 3 of the BAP1 gene, results from a G to C substitution at nucleotide position 77. The glycine at codon 26 is replaced by alanine, an amino acid with similar properties. This amino acid position is conserved. In addition, the in silico prediction for this alteration is inconclusive. Since supporting evidence is limited at this time, the clinical significance of this alteration remains unclear.